The following is an entry in ClinVar:

ClinVar aggregate classification (germline): Uncertain significance (1 of 4 stars; one submission).

gnomAD v4.1: 1 of 1,613,508 alleles (0.000062%); highest among the groups gnomAD compares: Admixed American, 0.0017%; no homozygotes.

Submission:

GeneDx
Classification: Uncertain significance. Last evaluated: 2026-05-07. Review status: criteria provided, single submitter. Criteria: GeneDx Variant Classification Process June 2021. Collection method: clinical testing. Allele origin: germline.
Comment: Not observed at significant frequency in large population cohorts (gnomAD); In silico analysis suggests that this missense variant does not alter protein structure/function; Has not been previously published as pathogenic or benign to our knowledge

NM_014991.6(WDFY3):c.2614T>G (p.Leu872Val)

Genes: WDFY3-AS1 (WDFY3 antisense RNA 1; plus strand), WDFY3 (WD repeat and FYVE domain containing 3; minus strand). Cytogenetic location: 4q21.23.
Variant type: single nucleotide variant.
Coding change: c.2614T>G on transcript NM_014991.6 (MANE Select); coding-DNA position 2614, T replaced by G.
Protein change: p.Leu872Val; replaces leucine 872 with valine.
Molecular consequence: missense variant.
Genome position (GRCh38, 1-based): chr4:84,801,858, A>C on the plus strand (T>G on the coding strand, the complement: WDFY3 is on the minus strand). VCF-style: chr4-84801858-A-C. GRCh37 (hg19) VCF-style: chr4-85723011-A-C.
Other names: short protein forms L872V.
Identifiers: ClinVar variation 3770119 (VCV003770119.2).
Genomic context (GRCh38, chr4:84,801,858, plus strand): 5'-GGTTCCTTTCTGTGTGCACCAGGGATTGTAAAATATTTGCCACGGCAAGTTGAAGATCCA[A>C]AGCATGCTAAAATCAACAAAGAAATCCACACAGTCAGGTCATTCTTAGTGAGAAAGATGA-3'
Protein context (NP_055806.2, residues 862-882): VGSVTQPEHA[Leu872Val]DLQLAVANIL